The following is an entry in ClinVar:

NM_001374736.1(DST):c.14177T>A (p.Leu4726Ter)

Genes: DST (dystonin; minus strand), LOC129389544 (MPRA-validated peak5860 silencer; plus strand). Cytogenetic location: 6p12.1.
Variant type: single nucleotide variant.
Coding change: c.14177T>A on transcript NM_001374736.1 (MANE Select); coding-DNA position 14177, T replaced by A.
Protein change: p.Leu4726Ter; replaces leucine 4726 with a stop codon.
Molecular consequence: nonsense.
Genome position (GRCh38, 1-based): chr6:56,561,441, A>T on the plus strand (T>A on the coding strand, the complement: DST is on the minus strand). VCF-style: chr6-56561441-A-T. GRCh37 (hg19) VCF-style: chr6-56426239-A-T.
Other names: c.7820T>A, p.Leu2607Ter (NM_001144769.5); c.7406T>A, p.Leu2469Ter (NM_001144770.2); c.14177T>A, p.Leu4726Ter (NM_001374722.1); c.13544T>A, p.Leu4515Ter (NM_001374729.1); c.7286T>A, p.Leu2429Ter (NM_001374730.1, NM_001386100.1, NM_183380.4); c.14204T>A, p.Leu4735Ter (NM_001374734.1); c.6308T>A, p.Leu2103Ter (NM_015548.5); short protein forms L2469*, L2607*, L4515*, L2103*, L4726*, L2429*, L4735*.
Identifiers: ClinVar variation 2944857 (VCV002944857.3), dbSNP rs2535508674, ClinGen allele CA364522749.
Genomic context (GRCh38, chr6:56,561,441, plus strand): 5'-GTTTTGTTCATTTTCTGTAACCACTGCATCATTGCACTTGATTCTTCCTGAGCCTTTTGC[A>T]ATTTGGAGAGTTTAGTGTTCAGTTCCGCTATTTTGTCCTTGAGTAAGAGGCCAAGATCTT-3'

ClinVar aggregate classification (germline): Pathogenic (1 of 4 stars; one submission).

Conditions:
Hereditary sensory and autonomic neuropathy type 6. Also called: HSAN VI; Neuropathy, hereditary sensory and autonomic, type VI. Identifiers: Orphanet 314381, MedGen C3539003, MONDO:0013839, OMIM 614653.
Epidermolysis bullosa simplex 3, localized or generalized intermediate, with BP230 deficiency (EBS3). Also called: Epidermolysis bullosa simplex due to BP230 deficiency; Epidermolysis bullosa simplex, autosomal recessive 2. Identifiers: Orphanet 412181, MedGen C3809470, MONDO:0014180, OMIM 615425.

Allele frequency attached by ClinVar (database versions not stated): gnomAD exomes below 0.00001.
gnomAD v4.1: 2 of 1,613,834 alleles (0.00012%); highest among the groups gnomAD compares: Non-Finnish European, 0.00017%; no homozygotes.

Submission:

Labcorp Genetics (formerly Invitae), Labcorp
Classification: Pathogenic for Epidermolysis bullosa simplex 3, localized or generalized intermediate, with BP230 deficiency; Hereditary sensory and autonomic neuropathy type 6. Last evaluated: 2025-03-17. Review status: criteria provided, single submitter. Criteria: Invitae Variant Classification Sherloc (09022015). Collection method: clinical testing. Allele origin: germline.
Comment: The DST gene has multiple clinically relevant transcripts. This variant occurs in alternate transcript NM_015548.4, and corresponds to NM_001723.5:c.*54076T>A in the primary transcript. This sequence change creates a premature translational stop signal (p.Leu2103*) in the DST gene. It is expected to result in an absent or disrupted protein product. Loss-of-function variants in DST are known to be pathogenic (PMID: 22522446, 25059916, 30371979). This variant is not present in population databases (gnomAD no frequency). This variant has not been reported in the literature in individuals affected with DST-related conditions. For these reasons, this variant has been classified as Pathogenic.

Literature cited by the submitters: PubMed 22522446; PubMed 25059916; PubMed 30371979.